The following is an entry in ClinVar:

ClinVar aggregate classification (germline): Benign. Review status: criteria provided, multiple submitters, no conflicts (2 of 4 stars). 3 submissions from 3 submitters: Benign (3). Last evaluated 2018-06-14.

Conditions:
Pitt-Hopkins-like syndrome 2 (PTHSL2). Identifiers: Orphanet 221150, Orphanet 600663, MedGen C3280479, MONDO:0013690, OMIM 614325.

Allele frequency attached by ClinVar (database versions not stated): gnomAD exomes 0.03125; 1000 Genomes Project 30x 0.06543; 1000 Genomes Project 0.06689; TOPMed 0.07695; gnomAD 0.07832 and 0.07885.

Submissions (3):

GeneDx
Classification: Benign. Last evaluated: 2018-06-14. Review status: criteria provided, single submitter. Criteria: GeneDx Variant Classification (06012015). Collection method: clinical testing. Allele origin: germline. Affected: yes.
Comment: This variant is considered likely benign or benign based on one or more of the following criteria: it is a conservative change, it occurs at a poorly conserved position in the protein, it is predicted to be benign by multiple in silico algorithms, and/or has population frequency not consistent with disease.

Illumina Laboratory Services, Illumina
Classification: Benign for Pitt-Hopkins-like syndrome 2. Last evaluated: 2018-01-13. Review status: criteria provided, single submitter. Criteria: ICSL Variant Classification Criteria 13 December 2019. Collection method: clinical testing. Allele origin: germline.
Comment: This variant was observed in the ICSL laboratory as part of a predisposition screen in an ostensibly healthy population. It had not been previously curated by ICSL or reported in the Human Gene Mutation Database (HGMD: prior to June 1st, 2018), and was therefore a candidate for classification through an automated scoring system. Utilizing variant allele frequency, disease prevalence and penetrance estimates, and inheritance mode, an automated score was calculated to assess if this variant is too frequent to cause the disease. Based on the score and internal cut-off values, a variant classified as benign is not then subjected to further curation. The score for this variant resulted in a classification of benign for this disease.

Breakthrough Genomics
Classification: Benign. Review status: criteria provided, single submitter. Criteria: ACMG Guidelines, 2015. Collection method: not provided. Allele origin: germline. Inheritance: Autosomal recessive inheritance. Affected: yes.

NM_001330078.2(NRXN1):c.-602G>A

Gene: NRXN1 (neurexin 1; minus strand). Cytogenetic location: 2p16.3.
Variant type: single nucleotide variant.
Coding change: c.-602G>A on transcript NM_001330078.2 (MANE Select); 602 bases upstream of the start codon, G replaced by A.
Molecular consequence: 5 prime UTR variant.
Genome position (GRCh38, 1-based): chr2:51,028,875, C>T on the plus strand (G>A on the coding strand, the complement: NRXN1 is on the minus strand). VCF-style: chr2-51028875-C-T. GRCh37 (hg19) VCF-style: chr2-51256013-C-T.
Other names: c.-602G>A (NM_001135659.3, NM_001330077.2, NM_001330079.2 and 15 more transcripts).
Identifiers: ClinVar variation 336570 (VCV000336570.7), dbSNP rs62143026, ClinGen allele CA10613668.